The following is an entry in ClinVar:

NM_000548.5(TSC2):c.600-13G>A

Gene: TSC2 (TSC complex subunit 2; plus strand). Cytogenetic location: 16p13.3.
Variant type: single nucleotide variant.
Coding change: c.600-13G>A on transcript NM_000548.5 (MANE Select); 13 bases into the intron before coding-DNA position 600, G replaced by A.
Molecular consequence: intron variant. On other transcripts: 5 prime UTR variant (4).
Genome position (GRCh38, 1-based): chr16:2,056,183, G>A. VCF-style: chr16-2056183-G-A. GRCh37 (hg19) VCF-style: chr16-2106184-G-A.
Other names: c.-14G>A (NM_001406680.1, NM_001406683.1, NM_001406687.1); c.-845G>A (NM_001406693.1); c.690-13G>A (NM_001406667.1, NM_001406668.1); c.-832-13G>A (NM_001406689.1, NM_001406690.1, NM_001406692.1 and 2 more transcripts); c.-1008-13G>A (NM_001406698.1); c.600-13G>A (NM_001114382.3, NM_001406663.1, NM_001406664.1 and 8 more transcripts); c.-713-13G>A (NM_001406694.1, NM_001406695.1); c.-820-13G>A (NM_001406696.1); and 6 more.
Identifiers: ClinVar variation 4071232 (VCV004071232.1).

ClinVar aggregate classification (germline): Likely benign (1 of 4 stars; one submission).

Conditions:
Tuberous sclerosis 2 (TSC2). Identifiers: Orphanet 805, MedGen C1860707, MONDO:0013199, OMIM 613254.

Submission:

Myriad Genetics, Inc.
Classification: Likely benign for Tuberous sclerosis 2. Last evaluated: 2025-05-08. Review status: criteria provided, single submitter. Criteria: Myriad Autosomal Dominant, Autosomal Recessive and X-Linked Classification Criteria (2023). Collection method: clinical testing. Allele origin: unknown.
Comment: This variant is considered likely benign. This variant is intronic and is not expected to impact mRNA splicing.